The following is an entry in ClinVar:

NM_014714.4(IFT140):c.1789T>G (p.Ser597Ala)

Gene: IFT140 (intraflagellar transport 140; minus strand). Cytogenetic location: 16p13.3.
Variant type: single nucleotide variant.
Coding change: c.1789T>G on transcript NM_014714.4 (MANE Select); coding-DNA position 1789, T replaced by G.
Protein change: p.Ser597Ala; replaces serine 597 with alanine.
Molecular consequence: missense variant.
Genome position (GRCh38, 1-based): chr16:1,566,273, A>C on the plus strand (T>G on the coding strand, the complement: IFT140 is on the minus strand). VCF-style: chr16-1566273-A-C. GRCh37 (hg19) VCF-style: chr16-1616274-A-C.
Other names: short protein forms S597A.
Identifiers: ClinVar variation 851373 (VCV000851373.9), dbSNP rs771450990, ClinGen allele CA7814132.
Genomic context (GRCh38, chr16:1,566,273, plus strand): 5'-CAGTCTTGAAGTCAAAGACGGTCACTGTGTCCATTTCAACATCGTAGAAGCAGATTTTGG[A>C]ATCAGGGCTGTTGTCAGCCTAGGAGAAGAGAAAACCAGAAAGCTCACGGAGCCTGCCCAG-3'
Protein context (NP_055529.2, residues 587-607): LPSKADNSPD[Ser597Ala]KICFYDVEMD

ClinVar aggregate classification (germline): Uncertain significance. Review status: criteria provided, multiple submitters, no conflicts (2 of 4 stars). 2 submissions from 2 submitters: Uncertain significance (2). Last evaluated 2025-04-17.

Conditions:
Inborn genetic diseases. Identifiers: MedGen C0950123, MeSH D030342.
Saldino-Mainzer syndrome (SRTD9). Also called: SHORT-RIB THORACIC DYSPLASIA 9 WITHOUT POLYDACTYLY; Renal dysplasia, retinal pigmentary dystrophy, cerebellar ataxia and skeletal dysplasia; short-rib thoracic dysplasia 9 with or without polydactyly; CONORENAL SYNDROME. Identifiers: Orphanet 140969, MedGen C1849437, MONDO:0009964, OMIM 266920.

Allele frequency attached by ClinVar (database versions not stated): gnomAD exomes 0.00001 and 0.00002; ExAC 0.00002; gnomAD 0.00002 and 0.00004; TOPMed 0.00004.
gnomAD v4.1: 17 of 1,613,486 alleles (0.0011%); highest among the groups gnomAD compares: African/African-American, 0.019%; no homozygotes.

Submissions (2):

Labcorp Genetics (formerly Invitae), Labcorp
Classification: Uncertain significance for Saldino-Mainzer syndrome. Last evaluated: 2025-04-17. Review status: criteria provided, single submitter. Criteria: Invitae Variant Classification Sherloc (09022015). Collection method: clinical testing. Allele origin: germline.
Comment: This sequence change replaces serine, which is neutral and polar, with alanine, which is neutral and non-polar, at codon 597 of the IFT140 protein (p.Ser597Ala). This variant is present in population databases (rs771450990, gnomAD 0.02%). This variant has not been reported in the literature in individuals affected with IFT140-related conditions. ClinVar contains an entry for this variant (Variation ID: 851373). Invitae Evidence Modeling of protein sequence and biophysical properties (such as structural, functional, and spatial information, amino acid conservation, physicochemical variation, residue mobility, and thermodynamic stability) indicates that this missense variant is not expected to disrupt IFT140 protein function with a negative predictive value of 80%. In summary, the available evidence is currently insufficient to determine the role of this variant in disease. Therefore, it has been classified as a Variant of Uncertain Significance.

Ambry Genetics
Classification: Uncertain significance for Inborn genetic diseases. Last evaluated: 2023-05-30. Review status: criteria provided, single submitter. Criteria: Ambry Variant Classification Scheme 2023. Collection method: clinical testing. Allele origin: germline.